The following is an entry in ClinVar:

ClinVar aggregate classification (germline): Uncertain significance. Review status: criteria provided, multiple submitters, no conflicts (2 of 4 stars). 3 submissions from 3 submitters: Uncertain significance (3). Last evaluated 2024-05-20.

Conditions:
Pierson syndrome. Also called: MICROCORIA-CONGENITAL NEPHROTIC SYNDROME. Identifiers: Orphanet 2670, MedGen C1836876, MONDO:0012184, OMIM 609049.
LAMB2-related infantile-onset nephrotic syndrome. Also called: Nephrotic Syndrome, type 5; NEPHROTIC SYNDROME, TYPE 5, WITHOUT OCULAR ABNORMALITIES; NEPHROTIC SYNDROME, TYPE 5, WITH OCULAR ABNORMALITIES. Identifiers: Orphanet 306507, MedGen C3280113, MONDO:0013621, OMIM 614199.
Inborn genetic diseases. Identifiers: MedGen C0950123, MeSH D030342.

Allele frequency attached by ClinVar (database versions not stated): ExAC 0.00006; gnomAD exomes 0.00006; ESP Exome Variant Server 0.00008; gnomAD 0.00022 and 0.00026; TOPMed 0.00024.
gnomAD v4.1: 59 of 1,613,834 alleles (0.0037%); highest among the groups gnomAD compares: African/African-American, 0.069%; no homozygotes.

Submissions (3):

Labcorp Genetics (formerly Invitae), Labcorp
Classification: Uncertain significance for LAMB2-related infantile-onset nephrotic syndrome; Pierson syndrome. Last evaluated: 2024-05-20. Review status: criteria provided, single submitter. Criteria: Invitae Variant Classification Sherloc (09022015). Collection method: clinical testing. Allele origin: germline.
Comment: This sequence change replaces asparagine, which is neutral and polar, with isoleucine, which is neutral and non-polar, at codon 887 of the LAMB2 protein (p.Asn887Ile). This variant is present in population databases (rs376553423, gnomAD 0.09%). This variant has not been reported in the literature in individuals affected with LAMB2-related conditions. ClinVar contains an entry for this variant (Variation ID: 643558). An algorithm developed to predict the effect of missense changes on protein structure and function (PolyPhen-2) suggests that this variant is likely to be disruptive. In summary, the available evidence is currently insufficient to determine the role of this variant in disease. Therefore, it has been classified as a Variant of Uncertain Significance.

Ambry Genetics
Classification: Uncertain significance for Inborn genetic diseases. Last evaluated: 2022-07-26. Review status: criteria provided, single submitter. Criteria: Ambry Variant Classification Scheme 2023. Collection method: clinical testing. Allele origin: germline.

Fulgent Genetics
Classification: Uncertain significance for Pierson syndrome; LAMB2-related infantile-onset nephrotic syndrome. Last evaluated: 2022-04-26. Review status: criteria provided, single submitter. Criteria: ACMG Guidelines, 2015. Collection method: clinical testing. Allele origin: unknown.

NM_002292.4(LAMB2):c.2660A>T (p.Asn887Ile)

Gene: LAMB2 (laminin subunit beta 2; minus strand). Cytogenetic location: 3p21.31.
Variant type: single nucleotide variant.
Coding change: c.2660A>T on transcript NM_002292.4 (MANE Select); coding-DNA position 2660, A replaced by T.
Protein change: p.Asn887Ile; replaces asparagine 887 with isoleucine.
Molecular consequence: missense variant.
Genome position (GRCh38, 1-based): chr3:49,125,313, T>A on the plus strand (A>T on the coding strand, the complement: LAMB2 is on the minus strand). VCF-style: chr3-49125313-T-A. GRCh37 (hg19) VCF-style: chr3-49162746-T-A.
Other names: short protein forms N887I.
Identifiers: ClinVar variation 643558 (VCV000643558.8), dbSNP rs376553423, ClinGen allele CA2394258.